The following is an entry in ClinVar:

ClinVar aggregate classification (germline): Uncertain significance. Review status: criteria provided, multiple submitters, no conflicts (2 of 4 stars). 2 submissions from 2 submitters: Uncertain significance (2). Last evaluated 2024-05-15.

Conditions:
Episodic ataxia type 1 (EA1). Also called: ATAXIA, EPISODIC, WITH MYOKYMIA; Episodic ataxia/myokymia syndrome; MYOKYMIA WITH PERIODIC ATAXIA; PAROXYSMAL ATAXIA WITH NEUROMYOTONIA, HEREDITARY. Identifiers: Orphanet 37612, Orphanet 972, MedGen C1719788, MONDO:0008047, OMIM 160120.

Submissions (2):

Labcorp Genetics (formerly Invitae), Labcorp
Classification: Uncertain significance for Episodic ataxia type 1. Last evaluated: 2024-05-15. Review status: criteria provided, single submitter. Criteria: Invitae Variant Classification Sherloc (09022015). Collection method: clinical testing. Allele origin: germline.
Comment: This sequence change replaces aspartic acid, which is acidic and polar, with glutamic acid, which is acidic and polar, at codon 219 of the KCNA1 protein (p.Asp219Glu). This variant is not present in population databases (gnomAD no frequency). This variant has not been reported in the literature in individuals affected with KCNA1-related conditions. Advanced modeling of protein sequence and biophysical properties (such as structural, functional, and spatial information, amino acid conservation, physicochemical variation, residue mobility, and thermodynamic stability) performed at Invitae indicates that this missense variant is not expected to disrupt KCNA1 protein function with a negative predictive value of 80%. In summary, the available evidence is currently insufficient to determine the role of this variant in disease. Therefore, it has been classified as a Variant of Uncertain Significance.

GeneDx
Classification: Uncertain significance. Last evaluated: 2023-11-29. Review status: criteria provided, single submitter. Criteria: GeneDx Variant Classification Process June 2021. Collection method: clinical testing. Allele origin: germline. Affected: yes.
Comment: Not observed at significant frequency in large population cohorts (gnomAD); In silico analysis supports that this missense variant has a deleterious effect on protein structure/function; Has not been previously published as pathogenic or benign to our knowledge

NM_000217.3(KCNA1):c.657C>A (p.Asp219Glu)

Gene: KCNA1 (potassium voltage-gated channel subfamily A member 1; plus strand). Cytogenetic location: 12p13.32.
Variant type: single nucleotide variant.
Coding change: c.657C>A on transcript NM_000217.3 (MANE Select); coding-DNA position 657, C replaced by A.
Protein change: p.Asp219Glu; replaces aspartic acid 219 with glutamic acid.
Molecular consequence: missense variant.
Genome position (GRCh38, 1-based): chr12:4,912,035, C>A. VCF-style: chr12-4912035-C-A. GRCh37 (hg19) VCF-style: chr12-5021201-C-A.
Other names: c.657C>A (NM_000217.2); short protein forms D219E.
Identifiers: ClinVar variation 2738700 (VCV002738700.4), dbSNP rs2497352892, ClinGen allele CA383455045.